The following is an entry in ClinVar:

NM_006939.4(SOS2):c.244A>G (p.Ile82Val)

Gene: SOS2 (SOS Ras/Rho guanine nucleotide exchange factor 2; minus strand). Cytogenetic location: 14q21.3.
Variant type: single nucleotide variant.
Coding change: c.244A>G on transcript NM_006939.4 (MANE Select); coding-DNA position 244, A replaced by G.
Protein change: p.Ile82Val; replaces isoleucine 82 with valine.
Molecular consequence: missense variant.
Genome position (GRCh38, 1-based): chr14:50,201,054, T>C on the plus strand (A>G on the coding strand, the complement: SOS2 is on the minus strand). VCF-style: chr14-50201054-T-C. GRCh37 (hg19) VCF-style: chr14-50667772-T-C.
Other names: c.244A>G (NM_006939.3); short protein forms I82V.
Identifiers: ClinVar variation 1493390 (VCV001493390.12), dbSNP rs545263131, ClinGen allele CA7177573.
Genomic context (GRCh38, chr14:50,201,054, plus strand): 5'-GATTTCTTCGTTTTCGTTTTTCTATAGCAGATTGTGCATCAGCAATGGCCCATTTATCAA[T>C]TGGGTGAGGAAAGGTCTTCTGAACTCGCTCCTGCTCAATCACAGCAGAACCATTGTAGTA-3'
Protein context (NP_008870.2, residues 72-92): ERVQKTFPHP[Ile82Val]DKWAIADAQS

ClinVar aggregate classification (germline): Uncertain significance. Review status: criteria provided, multiple submitters, no conflicts (2 of 4 stars). 4 submissions from 4 submitters: Uncertain significance (4). Last evaluated 2025-10-07.

Conditions:
Noonan syndrome 9 (NS9). Identifiers: Orphanet 648, MedGen C4225282, MONDO:0014691, OMIM 616559.
SOS2-related disorder. Also called: SOS2-related condition.
Cardiovascular phenotype. Identifiers: MedGen CN230736.

Allele frequency attached by ClinVar (database versions not stated): ExAC 0.00002; gnomAD exomes 0.00003; TOPMed 0.00003; gnomAD 0.00005 and 0.00006; 1000 Genomes Project 30x 0.00016; 1000 Genomes Project 0.00020.
gnomAD v4.1: 29 of 1,613,120 alleles (0.0018%); highest among the groups gnomAD compares: East Asian, 0.0045%; no homozygotes.

Submissions (4):

Labcorp Genetics (formerly Invitae), Labcorp
Classification: Uncertain significance for Noonan syndrome 9. Last evaluated: 2025-10-07. Review status: criteria provided, single submitter. Criteria: Invitae Variant Classification Sherloc (09022015). Collection method: clinical testing. Allele origin: germline.
Comment: This sequence change replaces isoleucine, which is neutral and non-polar, with valine, which is neutral and non-polar, at codon 82 of the SOS2 protein (p.Ile82Val). This variant is present in population databases (rs545263131, gnomAD 0.01%), and has an allele count higher than expected for a pathogenic variant. This variant has not been reported in the literature in individuals affected with SOS2-related conditions. ClinVar contains an entry for this variant (Variation ID: 1493390). Invitae Evidence Modeling of protein sequence and biophysical properties (such as structural, functional, and spatial information, amino acid conservation, physicochemical variation, residue mobility, and thermodynamic stability) has been performed for this missense variant. However, the output from this modeling did not meet the statistical confidence thresholds required to predict the impact of this variant on SOS2 protein function. In summary, the available evidence is currently insufficient to determine the role of this variant in disease. Therefore, it has been classified as a Variant of Uncertain Significance.

PreventionGenetics, part of Exact Sciences
Classification: Uncertain significance for SOS2-related condition. Last evaluated: 2022-11-04. Review status: criteria provided, single submitter. Criteria: ACMG Guidelines, 2015. Collection method: clinical testing. Allele origin: germline.
Comment: The SOS2 c.244A>G variant is predicted to result in the amino acid substitution p.Ile82Val. To our knowledge, this variant has not been reported in the literature. This variant is reported in 0.012% of alleles in individuals of European (Non-Finnish) descent in gnomAD. Although we suspect that this variant may be benign, at this time, the clinical significance of this variant is uncertain due to the absence of conclusive functional and genetic evidence.

Ambry Genetics
Classification: Uncertain significance for Cardiovascular phenotype. Last evaluated: 2022-03-04. Review status: criteria provided, single submitter. Criteria: Ambry Variant Classification Scheme 2023. Collection method: clinical testing. Allele origin: germline.
Comment: The p.I82V variant (also known as c.244A>G), located in coding exon 3 of the SOS2 gene, results from an A to G substitution at nucleotide position 244. The isoleucine at codon 82 is replaced by valine, an amino acid with highly similar properties. This amino acid position is conserved. In addition, the in silico prediction for this alteration is inconclusive. Since supporting evidence is limited at this time, the clinical significance of this alteration remains unclear.

Genome-Nilou Lab
Classification: Uncertain significance for Noonan syndrome 9. Review status: criteria provided, single submitter. Criteria: ACMG Guidelines, 2015. Collection method: clinical testing. Allele origin: germline.